The following is an entry in ClinVar:

ClinVar aggregate classification (germline): Uncertain significance (1 of 4 stars; one submission).

Conditions:
Myopathy, centronuclear, 2 (CNM2). Also called: MYOTUBULAR MYOPATHY, AUTOSOMAL RECESSIVE. Identifiers: Orphanet 169186, MedGen CN031787, MONDO:0009709, OMIM 255200.

Allele frequency attached by ClinVar (database versions not stated): gnomAD 0.00002 and 0.00001; ExAC 0.00001; gnomAD exomes 0.00002; TOPMed 0.00003.
gnomAD v4.1: 14 of 1,613,244 alleles (0.00087%); highest among the groups gnomAD compares: African/African-American, 0.0027%; no homozygotes.

Submission:

Labcorp Genetics (formerly Invitae), Labcorp
Classification: Uncertain significance for Myopathy, centronuclear, 2. Last evaluated: 2025-07-13. Review status: criteria provided, single submitter. Criteria: Invitae Variant Classification Sherloc (09022015). Collection method: clinical testing. Allele origin: germline.
Comment: This sequence change replaces glutamine, which is neutral and polar, with glutamic acid, which is acidic and polar, at codon 184 of the BIN1 protein (p.Gln184Glu). This variant is present in population databases (rs777940512, gnomAD 0.008%). This variant has not been reported in the literature in individuals affected with BIN1-related conditions. ClinVar contains an entry for this variant (Variation ID: 935963). An algorithm developed to predict the effect of missense changes on protein structure and function (PolyPhen-2) suggests that this variant is likely to be disruptive. In summary, the available evidence is currently insufficient to determine the role of this variant in disease. Therefore, it has been classified as a Variant of Uncertain Significance.

NM_139343.3(BIN1):c.550C>G (p.Gln184Glu)

Gene: BIN1 (bridging integrator 1; minus strand). Cytogenetic location: 2q14.3.
Variant type: single nucleotide variant.
Coding change: c.550C>G on transcript NM_139343.3 (MANE Select); coding-DNA position 550, C replaced by G.
Protein change: p.Gln184Glu; replaces glutamine 184 with glutamic acid.
Molecular consequence: missense variant. On other transcripts: intron variant (10).
Genome position (GRCh38, 1-based): chr2:127,068,225, G>C on the plus strand (C>G on the coding strand, the complement: BIN1 is on the minus strand). VCF-style: chr2-127068225-G-C. GRCh37 (hg19) VCF-style: chr2-127825801-G-C.
Other names: c.550C>G, p.Gln184Glu (NM_001320633.2, NM_001320640.2, NM_139344.3 and 1 more transcripts); c.469C>G, p.Gln157Glu (NM_001320642.1); c.447+699C>G (NM_001320634.1); c.519+699C>G (NM_139351.3, NM_139350.3, NM_139349.3 and 6 more transcripts); short protein forms Q184E, Q157E.
Identifiers: ClinVar variation 935963 (VCV000935963.9), dbSNP rs777940512, ClinGen allele CA1857435.
Genomic context (GRCh38, chr2:127,068,225, plus strand): 5'-GATTTCGGAGCAGGTTAGTTTGAGCTACGAGATGAGCCTGCAGTTTGCCTTGGCACCACT[G>C]GGGGGCGGCTTTCTCAAGCAGCGAGACAGGCTGGGGTGGGGAGGTCAAGGCAAAGGAAGG-3'
Protein context (NP_647593.1, residues 174-194): PVSLLEKAAP[Gln184Glu]WCQGKLQAHL